The following is an entry in ClinVar:

ClinVar aggregate classification (germline): Likely pathogenic (1 of 4 stars; one submission).

Submission:

Dasa
Classification: Likely pathogenic. Last evaluated: 2024-08-23. Review status: criteria provided, single submitter. Criteria: DASA Assertion Criteria. Collection method: clinical testing. Allele origin: germline.
Comment: NM_001197104.2(KMT2A):c.2307_2313dup (p.Pro772Serfs*16) is a frameshift variant in KMT2A predicted to alter the reading frame and introduce a premature termination codon and is predicted to result in an absent or altered protein product. Loss of function is an established disease mechanism for KMT2A (PMID: 22795537; PMID: 24818805; PMID: 27759909). Also, this variant is absent from population databases. Based on the currently available evidence, this variant is classified as likely pathogenic.

Literature cited by the submitters: PubMed 22795537; PubMed 24818805; PubMed 27759909.

NM_001197104.2(KMT2A):c.2307_2313dup (p.Pro772fs)

Gene: KMT2A (lysine methyltransferase 2A; plus strand). Cytogenetic location: 11q23.3.
Variant type: Microsatellite.
Coding change: c.2307_2313dup on transcript NM_001197104.2 (MANE Select); coding-DNA positions 2307 to 2313, 7 bases duplicated (TCTCACC; older notation c.2307_2313dupTCTCACC).
Protein change: p.Pro772fs; shifts the reading frame from proline 772.
Molecular consequence: frameshift variant.
Genome position (GRCh38, 1-based): chr11:118,473,466-118,473,472, TCTCACC duplicated; duplicating any 7 consecutive bases within chr11:118,473,458-118,473,472 gives the same sequence; the c. name uses the placement nearest the transcript's 3' end. VCF-style (leftmost placement, unchanged base first): chr11-118473457-G-GCTCTCAC. GRCh37 (hg19) VCF-style: chr11-118344172-G-GCTCTCAC.
Other names: c.2406_2412dup, p.Pro805fs (NM_001412597.1); c.2307_2313dup, p.Pro772fs (NM_005933.4); short protein forms P772fs, P805fs.
Identifiers: ClinVar variation 4880774 (VCV004880774.2).